The following is an entry in ClinVar:

ClinVar aggregate classification (germline): Uncertain significance (1 of 4 stars; one submission).

Conditions:
Inborn genetic diseases. Identifiers: MedGen C0950123, MeSH D030342.

gnomAD v4.1: 2 of 1,613,764 alleles (0.00012%); highest among the groups gnomAD compares: South Asian, 0.0011%; no homozygotes.

Submission:

Ambry Genetics
Classification: Uncertain significance for Inborn genetic diseases. Last evaluated: 2026-04-30. Review status: criteria provided, single submitter. Criteria: Ambry Variant Classification Scheme 2023. Collection method: clinical testing. Allele origin: germline.
Comment: The c.931A>G (p.T311A) alteration is located in exon 6 (coding exon 6) of the ITGB3 gene. This alteration results from a A to G substitution at nucleotide position 931, causing the threonine (T) at amino acid position 311 to be replaced by an alanine (A). Based on data from gnomAD, the G allele has an overall frequency of <0.001% (1/251128) total alleles studied. The highest observed frequency was 0.003% (1/30614) of South Asian alleles. Based on insufficient or conflicting evidence, the clinical significance of this alteration remains unclear.

NM_000212.3(ITGB3):c.931A>G (p.Thr311Ala)

Gene: ITGB3 (integrin subunit beta 3; plus strand). Cytogenetic location: 17q21.32.
Variant type: single nucleotide variant.
Coding change: c.931A>G on transcript NM_000212.3 (MANE Select); coding-DNA position 931, A replaced by G.
Protein change: p.Thr311Ala; replaces threonine 311 with alanine.
Molecular consequence: missense variant.
Genome position (GRCh38, 1-based): chr17:47,287,223, A>G. VCF-style: chr17-47287223-A-G. GRCh37 (hg19) VCF-style: chr17-45364589-A-G.
Other names: short protein forms T311A.
Identifiers: ClinVar variation 4858503 (VCV004858503.1).